The following is an entry in ClinVar:

ClinVar aggregate classification (germline): Likely pathogenic (1 of 4 stars; one submission).

Conditions:
Androgen resistance syndrome (AIS). Also called: ANDROGEN RECEPTOR DEFICIENCY; DIHYDROTESTOSTERONE RECEPTOR DEFICIENCY; TESTICULAR FEMINIZATION SYNDROME; Androgen insensitivity syndrome; Androgen insensitivity, complete; DHTR DEFICIENCY. Identifiers: Orphanet 754, Orphanet 99429, MedGen C0039585, MONDO:0019154, OMIM 300068. Disease mechanism: loss of function.

Submission:

Molecular Genetics Department, Kulakov National Medical Research Center for Obstetrics, Gynecology and Perinatology
Classification: Likely pathogenic for Androgen resistance syndrome. Review status: criteria provided, single submitter. Criteria: ACMG Guidelines, 2015. Collection method: clinical testing. Allele origin: germline. Affected: yes.
Comment: A previously undescribed nucleotide variant creates a missense p.Asn693Lys in the AR gene. Hemizygous variants are reported in patients with Androgen insensitivity, 300068. According to LOVD database, the in-frame deletion of same amino acid Asn693del was previously described in a patient with Androgen insensitivity. Pathogenicity prediction algorithms classify it as pathogenic (PolyPhen-2: 0.997; Sift: 0.03). The variant is not present in population database (gnomAD no frequency). In summary, the currently available evidence indicates that the variant is pathogenic, but additional data are needed to prove that conclusively. Therefore, this variant has been classified as likely pathogenic.

NM_000044.6(AR):c.2079C>G (p.Asn693Lys)

Gene: AR (androgen receptor; plus strand). Cytogenetic location: Xq12.
Variant type: single nucleotide variant.
Coding change: c.2079C>G on transcript NM_000044.6 (MANE Select); coding-DNA position 2079, C replaced by G.
Protein change: p.Asn693Lys; replaces asparagine 693 with lysine.
Molecular consequence: missense variant.
Genome position (GRCh38, 1-based): chrX:67,711,595, C>G. VCF-style: chrX-67711595-C-G. GRCh37 (hg19) VCF-style: chrX-66931437-C-G.
Other names: c.483C>G, p.Asn161Lys (NM_001011645.3); c.2082C>G, p.Asn694Lys (NM_001424175.1); short protein forms N161K, N693K, N694K.
Identifiers: ClinVar variation 3062325 (VCV003062325.1), dbSNP rs2147524944, ClinGen allele CA413423368.